The following is an entry in ClinVar:

NM_001267550.2(TTN):c.7618C>T (p.Arg2540Cys)

Gene: TTN (titin; minus strand). Cytogenetic location: 2q31.2.
Variant type: single nucleotide variant.
Coding change: c.7618C>T on transcript NM_001267550.2 (MANE Select); coding-DNA position 7618, C replaced by T.
Protein change: p.Arg2540Cys; replaces arginine 2540 with cysteine.
Molecular consequence: missense variant.
Genome position (GRCh38, 1-based): chr2:178,773,346, G>A on the plus strand (C>T on the coding strand, the complement: TTN is on the minus strand). VCF-style: chr2-178773346-G-A. GRCh37 (hg19) VCF-style: chr2-179638073-G-A.
Other names: c.7618C>T, p.Arg2540Cys (NM_001256850.1, NM_133378.4, NM_133379.5); c.7480C>T, p.Arg2494Cys (NM_003319.4, NM_133432.3, NM_133437.4); short protein forms R2540C, R2494C.
Identifiers: ClinVar variation 467485 (VCV000467485.21), dbSNP rs368574470, ClinGen allele CA2004773.

ClinVar aggregate classification (germline): Conflicting classifications of pathogenicity. Review status: criteria provided, conflicting classifications (1 of 4 stars). 9 submissions from 9 submitters: Uncertain significance (8); Likely benign (1). Last evaluated 2026-09-16.

Conditions:
Cardiovascular phenotype. Identifiers: MedGen CN230736.
Autosomal recessive limb-girdle muscular dystrophy type 2J (LGMDR10). Also called: Limb-girdle muscular dystrophy, type 2J; MUSCULAR DYSTROPHY, LIMB-GIRDLE, AUTOSOMAL RECESSIVE 10. Identifiers: Orphanet 140922, MedGen C1837342, MONDO:0012127, OMIM 608807.
Dilated cardiomyopathy 1G (CMD1G). Identifiers: Orphanet 154, MedGen C1858763, MONDO:0011400, OMIM 604145.
TTN-related disorder. Also called: TTN-related condition; TTN-related disease; TTN-related disorders.
Hypertrophic cardiomyopathy 9. Also called: Familial hypertrophic cardiomyopathy 9. Identifiers: MedGen C1861065, MONDO:0013412, OMIM 613765.
Myopathy, myofibrillar, 9, with early respiratory failure (MFM9). Also called: Hereditary myopathy with early respiratory failure; MYOPATHY, PROXIMAL, WITH EARLY RESPIRATORY MUSCLE INVOLVEMENT; EDSTROM MYOPATHY; Myopathy, distal, with early respiratory failure, autosomal dominant. Identifiers: Orphanet 178464, Orphanet 34521, MedGen C1863599, MONDO:0011362, OMIM 603689.
Tibial muscular dystrophy (TMD). Also called: Udd Distal Myopathy – Tibial Muscular Dystrophy; UDD MYOPATHY; Tibial muscular dystrophy, tardive. Identifiers: Orphanet 609, MedGen C1838244, MONDO:0010870, OMIM 600334.
Early-onset myopathy with fatal cardiomyopathy (CMYO5). Also called: Salih Myopathy; CONGENITAL MYOPATHY 5 WITH CARDIOMYOPATHY. Identifiers: Orphanet 289377, MedGen C2673677, MONDO:0012714, OMIM 611705. Disease mechanism: loss of function.
Cardiomyopathy (CMYO). Also called: Cardiomyopathies. Identifiers: Orphanet 167848, MedGen C0878544, MONDO:0004994, HP:0001638. Inheritance: Various modes of inheritance.

Allele frequency attached by ClinVar (database versions not stated): ExAC 0.00004; gnomAD exomes 0.00005 and 0.00010; ESP Exome Variant Server 0.00008; gnomAD 0.00011; TOPMed 0.00011.
gnomAD v4.1: 163 of 1,613,924 alleles (0.01%); highest among the groups gnomAD compares: African/African-American, 0.027%; no homozygotes.

Submissions (9):

PreventionGenetics, part of Exact Sciences
Classification: Uncertain significance for TTN-related condition. Last evaluated: 2026-09-16. Review status: criteria provided, single submitter. Criteria: ACMG Guidelines, 2015. Collection method: clinical testing. Allele origin: germline.
Comment: The TTN c.7618C>T variant is predicted to result in the amino acid substitution p.Arg2540Cys. To our knowledge, this variant has not been reported in the literature. This variant is reported in 0.025% of alleles in individuals of African descent in gnomAD. Although we suspect that this variant may be benign, at this time, the clinical significance of this variant is uncertain due to the absence of conclusive functional and genetic evidence.

Fulgent Genetics
Classification: Uncertain significance for Tibial muscular dystrophy; Myopathy, myofibrillar, 9, with early respiratory failure; Dilated cardiomyopathy 1G; Autosomal recessive limb-girdle muscular dystrophy type 2J; Early-onset myopathy with fatal cardiomyopathy; Hypertrophic cardiomyopathy 9. Last evaluated: 2024-01-23. Review status: criteria provided, single submitter. Criteria: ACMG Guidelines, 2015. Collection method: clinical testing. Allele origin: germline.

Revvity Omics, Revvity
Classification: Uncertain significance. Last evaluated: 2023-11-15. Review status: criteria provided, single submitter. Criteria: ACMG Guidelines, 2015. Collection method: clinical testing. Allele origin: germline.

CHEO Genetics Diagnostic Laboratory, Children's Hospital of Eastern Ontario
Classification: Likely benign for Cardiomyopathy. Last evaluated: 2023-01-31. Review status: criteria provided, single submitter. Criteria: ACMG Guidelines, 2015. Collection method: clinical testing. Allele origin: germline.

Ambry Genetics
Classification: Uncertain significance for Cardiovascular phenotype. Last evaluated: 2019-11-26. Review status: criteria provided, single submitter. Criteria: Ambry Variant Classification Scheme 2023. Collection method: clinical testing. Allele origin: germline.
Comment: The p.R2494C variant (also known as c.7480C>T), located in coding exon 31 of the TTN gene, results from a C to T substitution at nucleotide position 7480. The arginine at codon 2494 is replaced by cysteine, an amino acid with highly dissimilar properties. This amino acid position is poorly conserved in available vertebrate species. In addition, this alteration is predicted to be tolerated by in silico analysis. Since supporting evidence is limited at this time, the clinical significance of this alteration remains unclear.

Women's Health and Genetics/Laboratory Corporation of America, LabCorp
Classification: Uncertain significance. Last evaluated: 2019-10-07. Review status: criteria provided, single submitter. Criteria: LabCorp Variant Classification Summary - May 2015. Collection method: clinical testing. Allele origin: germline.
Comment: Variant summary: TTN c.7618C>T (p.Arg2540Cys) results in a non-conservative amino acid change located in the I-band region of the encoded protein sequence. Three of five in-silico tools predict a benign effect of the variant on protein function. The variant allele was found at a frequency of 5.2e-05 in 249808 control chromosomes (gnomAD). This frequency is not significantly higher than expected for a pathogenic variant in TTN causing Cardiomyopathy (5.2e-05 vs 0.00063), allowing no conclusion about variant significance. To our knowledge, no occurrence of c.7618C>T in individuals affected with Cardiomyopathy and no experimental evidence demonstrating its impact on protein function have been reported. Four ClinVar submitters (evaluation after 2014) cite this variant as uncertain significance. Based on the evidence outlined above, the variant was classified as uncertain significance.

Athena Diagnostics
Classification: Uncertain significance. Last evaluated: 2018-07-24. Review status: criteria provided, single submitter. Criteria: Athena Diagnostics Criteria. Collection method: clinical testing. Allele origin: germline.

Eurofins Ntd Llc (ga)
Classification: Uncertain significance. Last evaluated: 2018-02-06. Review status: criteria provided, single submitter. Criteria: EGL Classification Definitions 2015. Collection method: clinical testing. Allele origin: germline. Observed: 2 variant alleles, 2 heterozygotes.

Labcorp Genetics (formerly Invitae), Labcorp
Classification: Uncertain significance for Dilated cardiomyopathy 1G; Autosomal recessive limb-girdle muscular dystrophy type 2J. Last evaluated: 2017-03-03. Review status: criteria provided, single submitter. Criteria: Invitae Variant Classification Sherloc (09022015). Collection method: clinical testing. Allele origin: germline.